The following is an entry in ClinVar:

NM_021222.3(PRUNE1):c.521-2A>G

Gene: PRUNE1 (prune exopolyphosphatase 1; plus strand). Cytogenetic location: 1q21.3.
Variant type: single nucleotide variant.
Coding change: c.521-2A>G on transcript NM_021222.3 (MANE Select); the canonical splice acceptor site of the intron before coding-DNA position 521, A replaced by G.
Molecular consequence: splice acceptor variant. On other transcripts: intron variant (1).
Genome position (GRCh38, 1-based): chr1:151,025,513, A>G. VCF-style: chr1-151025513-A-G. GRCh37 (hg19) VCF-style: chr1-150997989-A-G.
Other names: NC_000001.10:g.150997989A>G; IVS4AS, A-G, -2; c.521-2A>G (NM_001303242.2, NM_021222.2); c.77-1720A>G (NM_001303243.2); c.-26-2A>G (NM_001303229.2).
Identifiers: ClinVar variation 265536 (VCV000265536.8), dbSNP rs886039608, ClinGen allele CA10588266.

ClinVar aggregate classification (germline): Pathogenic/Likely pathogenic. Review status: criteria provided, multiple submitters, no conflicts (2 of 4 stars). 4 submissions from 4 submitters: Pathogenic (1); Likely pathogenic (1). 2 of the submissions do not count toward it. Last evaluated 2024-09-19.

Conditions:
PRUNE1-related disorder. Also called: PRUNE1-related condition.
Neurodevelopmental disorder with microcephaly, hypotonia, and variable brain anomalies (NMIHBA). Identifiers: Orphanet 544469, MedGen C4479566, MONDO:0060490, OMIM 617481.

gnomAD v4.1: 2 of 1,612,500 alleles (0.00012%); no homozygotes.

Submissions (5):

Blueprint Genetics
Classification: Pathogenic for PRUNE1-related disorders. Last evaluated: 2024-09-19. Review status: criteria provided, single submitter. Criteria: ACMG Guidelines, 2015. Collection method: clinical testing. Allele origin: germline. Affected: yes. Observed: 5 variant alleles.

GeneDx
Classification: Likely pathogenic. Last evaluated: 2017-03-02. Review status: criteria provided, single submitter. Criteria: GeneDx Variant Classification (06012015). Collection method: clinical testing. Allele origin: germline. Affected: yes.
Comment: The c.521-2A>G variant in the PRUNE gene has been reported previously in the homozygous state in an individual with a history of severe developmental delay, cortical blindness, infantile spasms, and central hypoventilation (Costain et al., 2017). This splice site variant destroys the canonical splice acceptor site in intron 4. It is predicted to cause abnormal gene splicing, either leading to an abnormal message that is subject to nonsense-mediated mRNA decay, or to an abnormal protein product if the message is used for protein translation. The c.521-2A>G variant was not observed in approximately 6500 individuals of European and African American ancestry in the NHLBI Exome Sequencing Project, indicating it is not a common benign variant in these populations. We interpret c.521-2A>G as a likely pathogenic variant.

PreventionGenetics, part of Exact Sciences
Classification: Pathogenic for PRUNE1-related condition. Last evaluated: 2024-06-12. Review status: no assertion criteria provided. Collection method: clinical testing. Allele origin: germline. Not counted in ClinVar's aggregate classification.
Comment: The PRUNE1 c.521-2A>G variant is predicted to disrupt the AG splice acceptor site and interfere with normal splicing. This variant has been reported in the homozygous state in three related and four additional unrelated individuals of Cree or Oji-Cree ancestry, with severe developmental delay, talipes equinovarus, contractures, hypotonia, and brain malformations apparent at birth or manifesting within the first 1-2 years of life (Costain et al. 2017. PubMed ID: 28211990; Hartley et al. 2018. PubMed ID: 30556349). RT-PCR studies showed the c.521-2A>G variant leads to aberrant splicing (Hartley et al. 2018. PubMed ID: 30556349). The c.521-2A>G variant has been suggested to a founder variant in the Cree population (Hartley et al. 2018. PubMed ID: 30556349). This variant has not been reported in a large population database, indicating this variant is rare. Variants that disrupt the consensus splice acceptor site in PRUNE1 are expected to be pathogenic. This variant is interpreted as pathogenic.

OMIM
Classification: Pathogenic for NEURODEVELOPMENTAL DISORDER WITH MICROCEPHALY, HYPOTONIA, AND VARIABLE BRAIN ANOMALIES. Last evaluated: 2022-10-21. Review status: no assertion criteria provided. Collection method: literature only. Allele origin: germline. Not counted in ClinVar's aggregate classification.

Dr. Peter K. Rogan Lab, Western University
No classification provided (evidence only). Condition: Squamous cell lung carcinoma. Review status: no classification provided. Collection method: in vitro. Allele origin: not applicable. Functional consequence: skipped exon, retained intron. Not counted in ClinVar's aggregate classification.

Literature cited by the submitters: PubMed 28211990 (cited by OMIM); PubMed 30556349 (cited by OMIM).